The following is an entry in ClinVar:

ClinVar aggregate classification (germline): Uncertain significance. Review status: criteria provided, multiple submitters, no conflicts (2 of 4 stars). 2 submissions from 2 submitters: Uncertain significance (2). Last evaluated 2025-08-12.

Conditions:
Inborn genetic diseases. Identifiers: MedGen C0950123, MeSH D030342.

Allele frequency attached by ClinVar (database versions not stated): gnomAD exomes 0.00001; TOPMed 0.00002.
gnomAD v4.1: 5 of 1,613,694 alleles (0.00031%); highest among the groups gnomAD compares: Admixed American, 0.0067%; no homozygotes.

Submissions (2):

Ambry Genetics
Classification: Uncertain significance for Inborn genetic diseases. Last evaluated: 2025-08-12. Review status: criteria provided, single submitter. Criteria: Ambry Variant Classification Scheme 2023. Collection method: clinical testing. Allele origin: germline.

Labcorp Genetics (formerly Invitae), Labcorp
Classification: Uncertain significance. Last evaluated: 2024-11-11. Review status: criteria provided, single submitter. Criteria: Invitae Variant Classification Sherloc (09022015). Collection method: clinical testing. Allele origin: germline.
Comment: This sequence change replaces glycine, which is neutral and non-polar, with glutamic acid, which is acidic and polar, at codon 335 of the LRIT3 protein (p.Gly335Glu). This variant is present in population databases (no rsID available, gnomAD 0.003%). This variant has not been reported in the literature in individuals affected with LRIT3-related conditions. ClinVar contains an entry for this variant (Variation ID: 1363955). An algorithm developed to predict the effect of missense changes on protein structure and function (PolyPhen-2) suggests that this variant is likely to be disruptive. In summary, the available evidence is currently insufficient to determine the role of this variant in disease. Therefore, it has been classified as a Variant of Uncertain Significance.

NM_198506.5(LRIT3):c.1004G>A (p.Gly335Glu)

Gene: LRIT3 (leucine rich repeat, Ig-like and transmembrane domains 3; plus strand). Cytogenetic location: 4q25.
Variant type: single nucleotide variant.
Coding change: c.1004G>A on transcript NM_198506.5 (MANE Select); coding-DNA position 1004, G replaced by A.
Protein change: p.Gly335Glu; replaces glycine 335 with glutamic acid.
Molecular consequence: missense variant.
Genome position (GRCh38, 1-based): chr4:109,869,753, G>A. VCF-style: chr4-109869753-G-A. GRCh37 (hg19) VCF-style: chr4-110790909-G-A.
Other names: c.869G>A (NM_198506.2); short protein forms G335E.
Identifiers: ClinVar variation 1363955 (VCV001363955.7), dbSNP rs1251206758, ClinGen allele CA357870102.
Genomic context (GRCh38, chr4:109,869,753, plus strand): 5'-TGACAGGCATTTCTTCCAAAGACGCTGGGGATTACAAATGTAAGGCCAAAAATCTGGCTG[G>A]GATGTCAGAAGCTGTGGTTACTGTGACAGTGCTTGGCATTACCACAACTCCAATACCACC-3'
Protein context (NP_940908.3, residues 325-345): DYKCKAKNLA[Gly335Glu]MSEAVVTVTV